The following is an entry in ClinVar:

NM_004629.2(FANCG):c.916C>A (p.Leu306Ile)

Gene: FANCG (FA complementation group G; minus strand). Cytogenetic location: 9p13.3.
Variant type: single nucleotide variant.
Coding change: c.916C>A on transcript NM_004629.2 (MANE Select); coding-DNA position 916, C replaced by A.
Protein change: p.Leu306Ile; replaces leucine 306 with isoleucine.
Molecular consequence: missense variant.
Genome position (GRCh38, 1-based): chr9:35,076,732, G>T on the plus strand (C>A on the coding strand, the complement: FANCG is on the minus strand). VCF-style: chr9-35076732-G-T. GRCh37 (hg19) VCF-style: chr9-35076729-G-T.
Other names: short protein forms L306I.
Identifiers: ClinVar variation 2835132 (VCV002835132.3), dbSNP rs2131055865, ClinGen allele CA373312785.
Genomic context (GRCh38, chr9:35,076,732, plus strand): 5'-ACAAGCACCTCAGGAATCCTCCACCCCACATCTTCACCTGGCAGTTCCCTACCTCAACTA[G>T]CAGCTCCAGACTCTCCAGCTCTGCTGTTGTGTCCCCCAGTTGCTGATAGAGCCTAGAGGC-3'
Protein context (NP_004620.1, residues 296-316): TTAELESLEL[Leu306Ile]VEALNVPCSS

ClinVar aggregate classification (germline): Uncertain significance (1 of 4 stars; one submission).

Conditions:
Fanconi anemia (FA). Also called: Fanconi's anemia. Identifiers: Orphanet 84, MedGen C0015625, MeSH D005199, MONDO:0019391.

Submission:

Labcorp Genetics (formerly Invitae), Labcorp
Classification: Uncertain significance for Fanconi anemia. Last evaluated: 2023-11-20. Review status: criteria provided, single submitter. Criteria: Invitae Variant Classification Sherloc (09022015). Collection method: clinical testing. Allele origin: germline.
Comment: This sequence change replaces leucine, which is neutral and non-polar, with isoleucine, which is neutral and non-polar, at codon 306 of the FANCG protein (p.Leu306Ile). This variant is not present in population databases (gnomAD no frequency). This variant has not been reported in the literature in individuals affected with FANCG-related conditions. Advanced modeling of protein sequence and biophysical properties (such as structural, functional, and spatial information, amino acid conservation, physicochemical variation, residue mobility, and thermodynamic stability) performed at Invitae indicates that this missense variant is expected to disrupt FANCG protein function with a positive predictive value of 80%. In summary, the available evidence is currently insufficient to determine the role of this variant in disease. Therefore, it has been classified as a Variant of Uncertain Significance.